The following is an entry in ClinVar:

NM_001370595.2(COA8):c.40C>T (p.Pro14Ser)

Gene: COA8 (cytochrome c oxidase assembly factor 8; plus strand). Cytogenetic location: 14q32.33.
Variant type: single nucleotide variant.
Coding change: c.40C>T on transcript NM_001370595.2 (MANE Select); coding-DNA position 40, C replaced by T.
Protein change: p.Pro14Ser; replaces proline 14 with serine.
Molecular consequence: missense variant. On other transcripts: non-coding transcript variant (2).
Genome position (GRCh38, 1-based): chr14:103,563,041, C>T. VCF-style: chr14-103563041-C-T. GRCh37 (hg19) VCF-style: chr14-104029378-C-T.
Other names: NM_001302652.2:c.40C>T; c.40C>T, p.Pro14Ser (NM_001302653.2, NM_001302654.2); short protein forms P14S.
Identifiers: ClinVar variation 1061664 (VCV001061664.10), dbSNP rs2274268, ClinGen allele CA391111253.

ClinVar aggregate classification (germline): Uncertain significance. Review status: criteria provided, multiple submitters, no conflicts (2 of 4 stars). 2 submissions from 2 submitters: Uncertain significance (2). Last evaluated 2024-03-11.

Conditions:
Mitochondrial complex IV deficiency, nuclear type 17. Also called: Mitochondrial complex 4 deficiency, nuclear type 17. Identifiers: MedGen C5436718, MONDO:0033652, OMIM 619061.

gnomAD v4.1: 21 of 1,543,776 alleles (0.0014%); highest among the groups gnomAD compares: Admixed American, 0.013%; no homozygotes.

Submissions (2):

Labcorp Genetics (formerly Invitae), Labcorp
Classification: Uncertain significance. Last evaluated: 2024-03-11. Review status: criteria provided, single submitter. Criteria: Invitae Variant Classification Sherloc (09022015). Collection method: clinical testing. Allele origin: germline.
Comment: This sequence change replaces proline, which is neutral and non-polar, with serine, which is neutral and polar, at codon 27 of the APOPT1 protein (p.Pro27Ser). This variant is present in population databases (no rsID available, gnomAD 0.01%). This variant has not been reported in the literature in individuals affected with APOPT1-related conditions. ClinVar contains an entry for this variant (Variation ID: 1061664). An algorithm developed to predict the effect of missense changes on protein structure and function (PolyPhen-2) suggests that this variant is likely to be tolerated. In summary, the available evidence is currently insufficient to determine the role of this variant in disease. Therefore, it has been classified as a Variant of Uncertain Significance.

Fulgent Genetics
Classification: Uncertain significance for Mitochondrial complex IV deficiency, nuclear type 17. Last evaluated: 2021-12-03. Review status: criteria provided, single submitter. Criteria: ACMG Guidelines, 2015. Collection method: clinical testing. Allele origin: unknown.